The following is an entry in ClinVar:

NM_003072.5(SMARCA4):c.1322G>A (p.Arg441His)

Gene: SMARCA4 (SWI/SNF related BAF chromatin remodeling complex subunit ATPase 4; plus strand). Cytogenetic location: 19p13.2.
Variant type: single nucleotide variant.
Coding change: c.1322G>A on transcript NM_003072.5 (MANE Select); coding-DNA position 1322, G replaced by A.
Protein change: p.Arg441His; replaces arginine 441 with histidine.
Molecular consequence: missense variant. On other transcripts: non-coding transcript variant (1).
Genome position (GRCh38, 1-based): chr19:10,991,226, G>A. VCF-style: chr19-10991226-G-A. GRCh37 (hg19) VCF-style: chr19-11101902-G-A.
Other names: c.1322G>A, p.Arg441His (NM_001128844.3, NM_001128845.2, NM_001128846.2 and 4 more transcripts); short protein forms R441H.
Identifiers: ClinVar variation 863990 (VCV000863990.12), dbSNP rs761519909, ClinGen allele CA9203750.

ClinVar aggregate classification (germline): Uncertain significance. Review status: criteria provided, multiple submitters, no conflicts (2 of 4 stars). 2 submissions from 2 submitters: Uncertain significance (2). Last evaluated 2023-06-27.

Conditions:
Hereditary cancer-predisposing syndrome. Also called: Hereditary Cancer Syndrome; Tumor predisposition; Neoplastic Syndromes, Hereditary; Hereditary neoplastic syndrome. Identifiers: Orphanet 140162, MedGen C0027672, MeSH D009386, MONDO:0015356.
Rhabdoid tumor predisposition syndrome 2 (RTPS2). Identifiers: Orphanet 231108, Orphanet 69077, MedGen C2750074, MONDO:0013224, OMIM 613325.

Allele frequency attached by ClinVar (database versions not stated): gnomAD exomes below 0.00001; ExAC 0.00001; gnomAD 0.00001.
gnomAD v4.1: 3 of 1,613,694 alleles (0.00019%); highest among the groups gnomAD compares: Admixed American, 0.0017%; no homozygotes.

Submissions (2):

Labcorp Genetics (formerly Invitae), Labcorp
Classification: Uncertain significance for Rhabdoid tumor predisposition syndrome 2. Last evaluated: 2023-06-27. Review status: criteria provided, single submitter. Criteria: Invitae Variant Classification Sherloc (09022015). Collection method: clinical testing. Allele origin: germline.
Comment: ClinVar contains an entry for this variant (Variation ID: 863990). This variant has not been reported in the literature in individuals affected with SMARCA4-related conditions. The frequency data for this variant in the population databases is considered unreliable, as metrics indicate poor data quality at this position in the gnomAD database. This sequence change replaces arginine, which is basic and polar, with histidine, which is basic and polar, at codon 441 of the SMARCA4 protein (p.Arg441His). Advanced modeling of protein sequence and biophysical properties (such as structural, functional, and spatial information, amino acid conservation, physicochemical variation, residue mobility, and thermodynamic stability) has been performed at Invitae for this missense variant, however the output from this modeling did not meet the statistical confidence thresholds required to predict the impact of this variant on SMARCA4 protein function. In summary, the available evidence is currently insufficient to determine the role of this variant in disease. Therefore, it has been classified as a Variant of Uncertain Significance.

Ambry Genetics
Classification: Uncertain significance for Hereditary cancer-predisposing syndrome. Last evaluated: 2022-11-07. Review status: criteria provided, single submitter. Criteria: Ambry Variant Classification Scheme 2023. Collection method: clinical testing. Allele origin: germline.
Comment: The p.R441H variant (also known as c.1322G>A), located in coding exon 7 of the SMARCA4 gene, results from a G to A substitution at nucleotide position 1322. The arginine at codon 441 is replaced by histidine, an amino acid with highly similar properties. This amino acid position is highly conserved in available vertebrate species. In addition, the in silico prediction for this alteration is inconclusive. Missense and in-frame variants in SMARCA4 are known to cause neurodevelopmental disorders; however, such associations with rhabdoid tumor predisposition syndrome including small cell carcinoma of the ovary-hypercalcemic type (SCCOHT) are exceedingly rare (Kosho T et al. Am J Med Genet C Semin Med Genet. 2014 Sep;166C(3):262-75; Jelinic P et al. Nat Genet. 2014 May;46(5):424-6). Since supporting evidence is limited at this time, the clinical significance of this alteration remains unclear.